The following is an entry in ClinVar:

ClinVar aggregate classification (germline): Uncertain significance (1 of 4 stars; one submission).

Submission:

GeneDx
Classification: Uncertain significance. Last evaluated: 2025-04-24. Review status: criteria provided, single submitter. Criteria: GeneDx Variant Classification Process June 2021. Collection method: clinical testing. Allele origin: germline. Affected: yes.
Comment: Not observed at significant frequency in large population cohorts (gnomAD); In silico analysis supports a deleterious effect on splicing; Has not been previously published as pathogenic or benign to our knowledge

NM_020338.4(ZMIZ1):c.758+5G>A

Gene: ZMIZ1 (zinc finger MIZ-type containing 1; plus strand). Cytogenetic location: 10q22.3.
Variant type: single nucleotide variant.
Coding change: c.758+5G>A on transcript NM_020338.4 (MANE Select); 5 bases into the intron after coding-DNA position 758, G replaced by A.
Molecular consequence: intron variant.
Genome position (GRCh38, 1-based): chr10:79,291,181, G>A. VCF-style: chr10-79291181-G-A. GRCh37 (hg19) VCF-style: chr10-81050938-G-A.
Identifiers: ClinVar variation 4527319 (VCV004527319.1).